The following is an entry in ClinVar:

ClinVar aggregate classification (germline): Likely pathogenic (1 of 4 stars; one submission).

Submission:

Labcorp Genetics (formerly Invitae), Labcorp
Classification: Likely pathogenic. Last evaluated: 2021-07-14. Review status: criteria provided, single submitter. Criteria: Invitae Variant Classification Sherloc (09022015). Collection method: clinical testing. Allele origin: germline.
Comment: In summary, the currently available evidence indicates that the variant is pathogenic, but additional data are needed to prove that conclusively. Therefore, this variant has been classified as Likely Pathogenic. This variant has not been reported in the literature in individuals affected with ADGRV1-related conditions. This variant results in a copy number gain of the genomic region encompassing exon(s) 6-7 of the ADGRV1 gene. While the exact position of this variant cannot be determined from the data, sub-genic copy number gains are generally in tandem (PMID: 25640679). This variant is predicted to be out-of-frame, and may result in an absent or disrupted protein product. Loss-of-function variants in ADGRV1 are known to be pathogenic (PMID: 19357117, 22135276, 22147658, 26226137, 26667666, 30029497, 32467589).

Literature cited by the submitters: PubMed 25640679; PubMed 19357117; PubMed 22135276; PubMed 22147658; PubMed 26226137; PubMed 26667666; PubMed 30029497; PubMed 32467589.

NC_000005.9:g.(?_89920927)_(89923613_?)dup

Gene: ADGRV1 (adhesion G protein-coupled receptor V1; plus strand). Cytogenetic location: 5q14.3.
Variant type: Duplication.
Identifiers: ClinVar variation 1525894 (VCV001525894.4).